The following is an entry in ClinVar:

NM_000295.5(SERPINA1):c.884T>G (p.Ile295Ser)

Gene: SERPINA1 (serpin family A member 1; minus strand). Cytogenetic location: 14q32.13.
Variant type: single nucleotide variant.
Coding change: c.884T>G on transcript NM_000295.5 (MANE Select); coding-DNA position 884, T replaced by G.
Protein change: p.Ile295Ser; replaces isoleucine 295 with serine.
Molecular consequence: missense variant.
Genome position (GRCh38, 1-based): chr14:94,380,904, A>C on the plus strand (T>G on the coding strand, the complement: SERPINA1 is on the minus strand). VCF-style: chr14-94380904-A-C. GRCh37 (hg19) VCF-style: chr14-94847241-A-C.
Other names: c.884T>G, p.Ile295Ser (NM_001002235.3, NM_001002236.3, NM_001127700.2 and 7 more transcripts); short protein forms I295S.
Identifiers: ClinVar variation 4990519 (VCV004990519.1).

ClinVar aggregate classification (germline): Uncertain significance (1 of 4 stars; one submission).

Conditions:
SERPINA1-related disorder. Also called: SERPINA1-related condition; SerpinA1-related disorders.

gnomAD v4.1: 2 of 1,614,048 alleles (0.00012%); highest among the groups gnomAD compares: African/African-American, 0.0027%; no homozygotes.

Submission:

PreventionGenetics, part of Exact Sciences
Classification: Uncertain significance for SERPINA1-related condition. Last evaluated: 2025-06-19. Review status: criteria provided, single submitter. Criteria: ACMG Guidelines, 2015. Collection method: clinical testing. Allele origin: germline.
Comment: The SERPINA1 c.884T>G variant is predicted to result in the amino acid substitution p.Ile295Ser. To our knowledge, this variant has not been reported in the literature. This variant is reported in 0.011% of alleles in individuals of African descent in gnomAD. At this time, the clinical significance of this variant is uncertain due to the absence of conclusive functional and genetic evidence.